The following is an entry in ClinVar:

NM_012193.4(FZD4):c.*2542T>C

Genes: FZD4 (frizzled class receptor 4; minus strand), PRSS23 (serine protease 23; plus strand). Cytogenetic location: 11q14.2.
Variant type: single nucleotide variant.
Coding change: c.*2542T>C on transcript NM_012193.4 (MANE Select); 2542 bases downstream of the stop codon, T replaced by C.
Molecular consequence: 3 prime UTR variant.
Genome position (GRCh38, 1-based): chr11:86,948,600, A>G on the plus strand (T>C on the coding strand, the complement: FZD4 is on the minus strand). VCF-style: chr11-86948600-A-G. GRCh37 (hg19) VCF-style: chr11-86659642-A-G.
Identifiers: ClinVar variation 306374 (VCV000306374.5), dbSNP rs115557428, ClinGen allele CA10640428.

ClinVar aggregate classification (germline): Benign (1 of 4 stars; one submission).

Conditions:
Exudative vitreoretinopathy 1 (EVR1). Also called: CRISWICK-SCHEPENS SYNDROME; FEVR, AUTOSOMAL DOMINANT; Familial exudative vitreoretinopathy, autosomal dominant. Identifiers: Orphanet 891, Orphanet 90050, MedGen C1851402, MONDO:0007589, OMIM 133780.

Allele frequency attached by ClinVar (database versions not stated): gnomAD 0.00727 and 0.00769; TOPMed 0.00826; 1000 Genomes Project 0.00919; 1000 Genomes Project 30x 0.00953.

Submission:

Illumina Laboratory Services, Illumina
Classification: Benign for Exudative vitreoretinopathy 1. Last evaluated: 2018-01-13. Review status: criteria provided, single submitter. Criteria: ICSL Variant Classification Criteria 13 December 2019. Collection method: clinical testing. Allele origin: germline.
Comment: This variant was observed in the ICSL laboratory as part of a predisposition screen in an ostensibly healthy population. It had not been previously curated by ICSL or reported in the Human Gene Mutation Database (HGMD: prior to June 1st, 2018), and was therefore a candidate for classification through an automated scoring system. Utilizing variant allele frequency, disease prevalence and penetrance estimates, and inheritance mode, an automated score was calculated to assess if this variant is too frequent to cause the disease. Based on the score and internal cut-off values, a variant classified as benign is not then subjected to further curation. The score for this variant resulted in a classification of benign for this disease.